The following is an entry in ClinVar:

NM_000238.4(KCNH2):c.1680C>G (p.Ile560Met)

Gene: KCNH2 (potassium voltage-gated channel subfamily H member 2; minus strand). Cytogenetic location: 7q36.1.
Variant type: single nucleotide variant.
Coding change: c.1680C>G on transcript NM_000238.4 (MANE Select); coding-DNA position 1680, C replaced by G.
Protein change: p.Ile560Met; replaces isoleucine 560 with methionine.
Molecular consequence: missense variant. On other transcripts: non-coding transcript variant (2).
Genome position (GRCh38, 1-based): chr7:150,951,713, G>C on the plus strand (C>G on the coding strand, the complement: KCNH2 is on the minus strand). VCF-style: chr7-150951713-G-C. GRCh37 (hg19) VCF-style: chr7-150648801-G-C.
Other names: c.1680C>G (NM_000238.2); c.660C>G, p.Ile220Met (NM_001204798.2, NM_172057.3); c.1392C>G, p.Ile464Met (NM_001406753.1, NM_001406756.1); c.1503C>G, p.Ile501Met (NM_001406755.1); c.1380C>G, p.Ile460Met (NM_001406757.1); c.1680C>G, p.Ile560Met (NM_172056.3); short protein forms I220M, I460M, I464M, I501M, I560M.
Identifiers: ClinVar variation 3072792 (VCV003072792.2), dbSNP rs372725107, ClinGen allele CA029199.
Genomic context (GRCh38, chr7:150,951,713, plus strand): 5'-GTCCATGTGTGGCTGCTCCATGTTGCCGATGGCGTACCAGATGCAGGCTAGCCAGTGCGC[G>C]ATGAGCGCAAAGGTGCACATGAGCAAGAACAGCACGGCCGCGCCGTACTCTGAGTAGCGA-3'
Protein context (NP_000229.1, residues 550-570): LFLLMCTFAL[Ile560Met]AHWLACIWYA

ClinVar aggregate classification (germline): Uncertain significance. Review status: criteria provided, multiple submitters, no conflicts (2 of 4 stars). 2 submissions from 2 submitters: Uncertain significance (2). Last evaluated 2025-06-25.

Conditions:
Long QT syndrome (LQTS). Identifiers: MedGen C0023976, MeSH D008133, MONDO:0002442. Disease mechanism: loss of function. Inheritance: Various modes of inheritance.

gnomAD v4.1: 5 of 1,613,978 alleles (0.00031%); highest among the groups gnomAD compares: Non-Finnish European, 0.000085%; no homozygotes.

Submissions (2):

GeneDx
Classification: Uncertain significance. Last evaluated: 2025-06-25. Review status: criteria provided, single submitter. Criteria: GeneDx Variant Classification Process June 2021. Collection method: clinical testing. Allele origin: germline. Affected: yes.
Comment: Has not been previously published as pathogenic or benign to our knowledge; Not observed at significant frequency in large population cohorts (gnomAD); In silico analysis supports that this missense variant has a deleterious effect on protein structure/function

All of Us Research Program, National Institutes of Health
Classification: Uncertain significance for Long QT syndrome. Last evaluated: 2023-08-15. Review status: criteria provided, single submitter. Criteria: ACMG Guidelines, 2015. Collection method: clinical testing. Allele origin: germline. Inheritance: Autosomal dominant inheritance. Observed: 1 variant allele, 1 heterozygote.
Comment: This missense variant replaces isoleucine with methionine at codon 560 of the KCNH2 protein. Computational prediction suggests that this variant may have deleterious impact on protein structure and function (internally defined REVEL score threshold >= 0.7, PMID: 27666373). To our knowledge, functional studies have not been reported for this variant. This variant has not been reported in individuals affected with KCNH2-related disorders in the literature. This variant has been identified in 1/251280 chromosomes in the general population by the Genome Aggregation Database (gnomAD). The available evidence is insufficient to determine the role of this variant in disease conclusively. Therefore, this variant is classified as a Variant of Uncertain Significance.

This study involves interpretation of variants in research participants for the purpose of population health screening. Participant phenotype was not available at the time of variant classification. Additional details can be found in publication PMID: 35346344, PMCID: PMC8962531